The following is an entry in ClinVar:

NM_000038.6(APC):c.1241G>A (p.Arg414His)

Gene: APC (APC regulator of Wnt signaling pathway; plus strand). Cytogenetic location: 5q22.2.
Variant type: single nucleotide variant.
Coding change: c.1241G>A on transcript NM_000038.6 (MANE Select); coding-DNA position 1241, G replaced by A.
Protein change: p.Arg414His; replaces arginine 414 with histidine.
Molecular consequence: missense variant.
Genome position (GRCh38, 1-based): chr5:112,819,273, G>A. VCF-style: chr5-112819273-G-A. GRCh37 (hg19) VCF-style: chr5-112154970-G-A.
Other names: p.R414H:CGC>CAC; c.1241G>A, p.Arg414His (NM_001127510.3, NM_001354895.2, NM_001354896.2); c.1187G>A, p.Arg396His (NM_001127511.3); c.1271G>A, p.Arg424His (NM_001354897.2); c.1166G>A, p.Arg389His (NM_001354898.2); c.1157G>A, p.Arg386His (NM_001354899.2); c.1064G>A, p.Arg355His (NM_001354900.2, NM_001354901.2); c.968G>A, p.Arg323His (NM_001354902.2); and 4 more; short protein forms R396H, R414H, R288H, R313H, R424H, R131H, R355H, R254H.
Identifiers: ClinVar variation 181785 (VCV000181785.38), dbSNP rs730881233, ClinGen allele CA004108.

ClinVar aggregate classification (germline): Conflicting classifications of pathogenicity. Review status: criteria provided, conflicting classifications (1 of 4 stars). 14 submissions from 14 submitters: Uncertain significance (10); Likely benign (3). 1 of the submissions does not count toward it. Last evaluated 2026-03-24.

Conditions:
Classic or attenuated familial adenomatous polyposis. Identifiers: MedGen CN372698, MONDO:0021057.
APC-related disorder. Also called: APC-related condition.
Familial adenomatous polyposis 1 (FAP1). Also called: FAMILIAL ADENOMATOUS POLYPOSIS 1, ATTENUATED; POLYPOSIS, ADENOMATOUS INTESTINAL. Identifiers: MedGen C2713442, MONDO:0021056, OMIM 175100. Disease mechanism: loss of function.
Desmoid disease, hereditary (DESMD). Also called: FIBROMATOSIS, FAMILIAL INFILTRATIVE. Identifiers: Orphanet 873, MedGen C1851124, OMIM 135290. Disease mechanism: loss of function.
Colorectal cancer. Also called: Malignant Colorectal Neoplasm; Colorectal cancer, somatic. Identifiers: MedGen C0346629, MONDO:0005575, OMIM 114500.
Gastric cancer. Also called: Malignant tumor of stomach; Stomach cancer. Identifiers: MedGen C0024623, MeSH D013274, MONDO:0001056, OMIM 613659, HP:0012126.
Gastric adenocarcinoma and proximal polyposis of the stomach (GAPPS). Also called: Gastric Adenocarcinoma and Proximal Polyposis of the Stomach (GAPPS); POLYPOSIS, GASTRIC; Polyposis, gastric, Dos Santos and de Magalhaes 1980. Identifiers: Orphanet 314022, MedGen C4749917, MONDO:0017790, OMIM 619182.
Hepatocellular carcinoma (HCC). Also called: Primary carcinoma of liver; HEPATOMA; LIVER CELL CARCINOMA. Identifiers: Orphanet 88673, MedGen C2239176, MONDO:0007256, OMIM 114550, HP:0001402.
Hereditary cancer-predisposing syndrome. Also called: Neoplastic Syndromes, Hereditary; Tumor predisposition; Hereditary neoplastic syndrome; Hereditary Cancer Syndrome. Identifiers: Orphanet 140162, MedGen C0027672, MeSH D009386, MONDO:0015356.

Allele frequency attached by ClinVar (database versions not stated): gnomAD exomes 0.00001 and 0.00003; ExAC 0.00002; TOPMed 0.00003.
gnomAD v4.1: 13 of 1,614,030 alleles (0.00081%); highest among the groups gnomAD compares: Admixed American, 0.012%; no homozygotes.

Submissions (14):

PreventionGenetics, part of Exact Sciences
Classification: Uncertain significance for APC-related condition. Last evaluated: 2026-03-24. Review status: criteria provided, single submitter. Criteria: ACMG Guidelines, 2015. Collection method: clinical testing. Allele origin: germline.
Comment: The APC c.1241G>A variant is predicted to result in the amino acid substitution p.Arg414His. This variant was reported in an individual with neuroblastoma (Zhang et al 2015. PubMed ID: 26580448). This variant was also reported in an individual with osteosarcoma (eTable 5, Mirabello et al 2020. PubMed ID: 32191290). This variant is reported in 0.020% of alleles in individuals of Latino descent in gnomAD. In ClinVar the p.Arg414His variant is classified as a variant of uncertain significance (Variation ID: 181785). At this time, the clinical significance of this variant is uncertain due to the absence of conclusive functional and genetic evidence.

Center for Genomic Medicine, Rigshospitalet, Copenhagen University Hospital
Classification: Likely benign. Last evaluated: 2025-12-29. Review status: criteria provided, single submitter. Criteria: ACMG Guidelines, 2015. Collection method: clinical testing. Allele origin: germline.
Comment: Classification criteria: BS1, BP1

Labcorp Genetics (formerly Invitae), Labcorp
Classification: Uncertain significance for Familial adenomatous polyposis 1. Last evaluated: 2025-11-25. Review status: criteria provided, single submitter. Criteria: Invitae Variant Classification Sherloc (09022015). Collection method: clinical testing. Allele origin: germline.
Comment: This sequence change replaces arginine, which is basic and polar, with histidine, which is basic and polar, at codon 414 of the APC protein (p.Arg414His). This variant is present in population databases (rs730881233, gnomAD 0.02%). This missense change has been observed in individual(s) with neuroblastoma (PMID: 26580448). ClinVar contains an entry for this variant (Variation ID: 181785). Invitae Evidence Modeling of protein sequence and biophysical properties (such as structural, functional, and spatial information, amino acid conservation, physicochemical variation, residue mobility, and thermodynamic stability) indicates that this missense variant is not expected to disrupt APC protein function with a negative predictive value of 95%. In summary, the available evidence is currently insufficient to determine the role of this variant in disease. Therefore, it has been classified as a Variant of Uncertain Significance.

Color Diagnostics, LLC DBA Color Health
Classification: Likely benign for Hereditary cancer-predisposing syndrome. Last evaluated: 2025-11-24. Review status: criteria provided, single submitter. Criteria: ACMG Guidelines, 2015. Collection method: clinical testing. Allele origin: germline.

GeneDx
Classification: Uncertain significance. Last evaluated: 2024-09-23. Review status: criteria provided, single submitter. Criteria: GeneDx Variant Classification Process June 2021. Collection method: clinical testing. Allele origin: germline. Affected: yes.
Comment: In silico analysis supports that this missense variant has a deleterious effect on protein structure/function; Identified in an individual with neuroblastoma and in an individual with osteosarcoma (PMID: 26580448, 32191290); This variant is associated with the following publications: (PMID: 32231684, 26580448, 32191290)

Baylor Genetics
Classification: Uncertain significance for Familial adenomatous polyposis 1. Last evaluated: 2024-01-06. Review status: criteria provided, single submitter. Criteria: ACMG Guidelines, 2015. Collection method: clinical testing. Allele origin: unknown.

Fulgent Genetics
Classification: Uncertain significance for Colorectal cancer; Hepatocellular carcinoma; Desmoid disease, hereditary; Familial adenomatous polyposis 1; Gastric cancer; Gastric adenocarcinoma and proximal polyposis of the stomach. Last evaluated: 2023-12-26. Review status: criteria provided, single submitter. Criteria: ACMG Guidelines, 2015. Collection method: clinical testing. Allele origin: germline.

All of Us Research Program, National Institutes of Health
Classification: Uncertain significance for Classic or attenuated familial adenomatous polyposis. Last evaluated: 2023-12-01. Review status: criteria provided, single submitter. Criteria: ACMG Guidelines, 2015. Collection method: clinical testing. Allele origin: germline. Inheritance: Autosomal dominant inheritance. Observed: 5 variant alleles, 5 heterozygotes.
Comment: This missense variant replaces arginine with histidine at codon 414 of the APC protein. Computational prediction is inconclusive regarding the impact of this variant on protein structure and function (internally defined REVEL score threshold 0.5 < inconclusive < 0.7, PMID: 27666373). Splice site prediction tools suggest that this variant may not impact RNA splicing. To our knowledge, functional studies have not been performed for this variant. This variant has been reported in an individual affected with neuroblastoma in the literature (PMID: 26580448). This variant has been identified in 8/250586 chromosomes in the general population by the Genome Aggregation Database (gnomAD). The available evidence is insufficient to determine the role of this variant in disease conclusively. Therefore, this variant is classified as a Variant of Uncertain Significance.

This study involves interpretation of variants in research participants for the purpose of population health screening. Participant phenotype was not available at the time of variant classification. Additional details can be found in publication PMID: 35346344, PMCID: PMC8962531

Myriad Genetics, Inc.
Classification: Uncertain significance for Familial adenomatous polyposis 1. Last evaluated: 2023-02-17. Review status: criteria provided, single submitter. Criteria: Myriad Autosomal Dominant, Autosomal Recessive and X-Linked Classification Criteria (2023). Collection method: clinical testing. Allele origin: unknown.
Comment: This variant is classified as a variant of uncertain significance as there is insufficient evidence to determine its impact on protein function and/or cancer risk.

Sema4
Classification: Uncertain significance for Hereditary cancer-predisposing syndrome. Last evaluated: 2021-10-11. Review status: criteria provided, single submitter. Criteria: Sema4 Curation Guidelines. Collection method: curation. Allele origin: germline.
Comment: The APC c.1241G>A (p.R414H) variant has been reported in at least one individual diagnosed with a neuroblastoma (PMID: 26580448). It was observed in 7/34524 chromosomes of the Latino subpopulation in the large and broad cohorts of the Genome Aggregation Database (PMID: 32461654). This variant has been reported in ClinVar (Variation ID: 181785). Functional studies have not been performed, and in silico predictions of the variant's effect on protein function are inconclusive. The evidence is insufficient to meet ACMG/AMP criteria for classifying the variant as benign or pathogenic. Thus, the clinical significance of this variant is currently uncertain.

Ambry Genetics
Classification: Likely benign for Hereditary cancer-predisposing syndrome. Last evaluated: 2021-05-26. Review status: criteria provided, single submitter. Criteria: Ambry Variant Classification Scheme 2023. Collection method: clinical testing. Allele origin: germline.

Quest Diagnostics Nichols Institute San Juan Capistrano
Classification: Uncertain significance. Last evaluated: 2021-03-10. Review status: criteria provided, single submitter. Criteria: Quest Diagnostics criteria. Collection method: clinical testing. Allele origin: unknown.

Women's Health and Genetics/Laboratory Corporation of America, LabCorp
Classification: Uncertain significance. Last evaluated: 2018-11-16. Review status: criteria provided, single submitter. Criteria: LabCorp Variant Classification Summary - May 2015. Collection method: clinical testing. Allele origin: germline.
Comment: Variant summary: APC c.1241G>A (p.Arg414His) results in a non-conservative amino acid change in the encoded protein sequence. Four of five in-silico tools predict a damaging effect of the variant on protein function. The variant allele was found at a frequency of 3.3e-05 in 245360 control chromosomes, predominantly at a frequency of 0.00021 within the Latino subpopulation in the gnomAD database, which is 3-folds over the estimated maximum expected allele frequency for a pathogenic APC variant. Therefore, suggesting the variant is a benign polymorphism found predominantly in population(s) of Latino origin. c.1241G>A has not been reported in the literature in individuals affected with Familial Adenomatous Polyposis. To our knowledge, no experimental evidence demonstrating an impact on protein function has been reported. Five ClinVar submissions from clinical diagnostic laboratories (evaluation after 2014) cites the variant as uncertain significance. Based on the evidence outlined above, the variant was classified as VUS-possibly benign.

Counsyl
Classification: Uncertain significance for Familial adenomatous polyposis 1. Last evaluated: 2016-08-31. Review status: no assertion criteria provided. Collection method: clinical testing. Allele origin: unknown. Not counted in ClinVar's aggregate classification.

Literature cited by the submitters: PubMed 26580448 (cited by 6 submitters).